The following is an entry in ClinVar:

ClinVar aggregate classification (germline): Likely benign (1 of 4 stars; one submission).

Conditions:
Progressive familial intrahepatic cholestasis type 2. Identifiers: Orphanet 79304, MedGen C3489789, MONDO:0011156, OMIM 601847.

Allele frequency attached by ClinVar (database versions not stated): TOPMed 0.00215; gnomAD exomes 0.00242; 1000 Genomes Project 0.00080; 1000 Genomes Project 30x 0.00109; gnomAD 0.00208 and 0.00214.
gnomAD v4.1: 1,358 of 576,182 alleles (0.24%); highest among the groups gnomAD compares: Non-Finnish European, 0.37%; 3 homozygotes.

Submission:

Illumina Laboratory Services, Illumina
Classification: Likely benign for Progressive familial intrahepatic cholestasis type 2. Last evaluated: 2018-01-12. Review status: criteria provided, single submitter. Criteria: ICSL Variant Classification Criteria 13 December 2019. Collection method: clinical testing. Allele origin: germline.
Comment: This variant was observed in the ICSL laboratory as part of a predisposition screen in an ostensibly healthy population. It had not been previously curated by ICSL or reported in the Human Gene Mutation Database (HGMD: prior to June 1st, 2018), and was therefore a candidate for classification through an automated scoring system. Utilizing variant allele frequency, disease prevalence and penetrance estimates, and inheritance mode, an automated score was calculated to assess if this variant is too frequent to cause the disease. Based on the score and internal cut-off values, a variant classified as likely benign is not then subjected to further curation. The score for this variant resulted in a classification of likely benign for this disease.

NM_003742.4(ABCB11):c.*237T>C

Gene: ABCB11 (ATP binding cassette subfamily B member 11; minus strand). Cytogenetic location: 2q31.1.
Variant type: single nucleotide variant.
Coding change: c.*237T>C on transcript NM_003742.4 (MANE Select); 237 bases downstream of the stop codon, T replaced by C.
Molecular consequence: 3 prime UTR variant.
Genome position (GRCh38, 1-based): chr2:168,923,385, A>G on the plus strand (T>C on the coding strand, the complement: ABCB11 is on the minus strand). VCF-style: chr2-168923385-A-G. GRCh37 (hg19) VCF-style: chr2-169779895-A-G.
Other names: c.*237T>C (LRG_1199t1).
Identifiers: ClinVar variation 332017 (VCV000332017.5), dbSNP rs548624200, ClinGen allele CA10612564.